The following is an entry in ClinVar:

ClinVar aggregate classification (germline): Pathogenic (1 of 4 stars; one submission).

Conditions:
Primary ciliary dyskinesia. Also called: Ciliary dyskinesia. Identifiers: Orphanet 244, MedGen C0008780, MONDO:0016575, HP:0012265.

Submission:

Labcorp Genetics (formerly Invitae), Labcorp
Classification: Pathogenic for Primary ciliary dyskinesia. Last evaluated: 2025-05-04. Review status: criteria provided, single submitter. Criteria: Invitae Variant Classification Sherloc (09022015). Collection method: clinical testing. Allele origin: germline.
Comment: This sequence change creates a premature translational stop signal (p.Glu356*) in the DNAAF2 gene. It is expected to result in an absent or disrupted protein product. Loss-of-function variants in DNAAF2 are known to be pathogenic (PMID: 19052621, 24498942). This variant is not present in population databases (gnomAD no frequency). This variant has not been reported in the literature in individuals affected with DNAAF2-related conditions. For these reasons, this variant has been classified as Pathogenic.

Literature cited by the submitters: PubMed 19052621; PubMed 24498942.

NM_018139.3(DNAAF2):c.1066G>T (p.Glu356Ter)

Gene: DNAAF2 (dynein axonemal assembly factor 2; minus strand). Cytogenetic location: 14q21.3.
Variant type: single nucleotide variant.
Coding change: c.1066G>T on transcript NM_018139.3 (MANE Select); coding-DNA position 1066, G replaced by T.
Protein change: p.Glu356Ter; replaces glutamic acid 356 with a stop codon.
Molecular consequence: nonsense.
Genome position (GRCh38, 1-based): chr14:49,634,084, C>A on the plus strand (G>T on the coding strand, the complement: DNAAF2 is on the minus strand). VCF-style: chr14-49634084-C-A. GRCh37 (hg19) VCF-style: chr14-50100802-C-A.
Other names: c.1066G>T, p.Glu356Ter (NM_001083908.2); short protein forms E356*.
Identifiers: ClinVar variation 4771524 (VCV004771524.1).